The following is an entry in ClinVar:

ClinVar aggregate classification (germline): Uncertain significance. Review status: criteria provided, multiple submitters, no conflicts (2 of 4 stars). 2 submissions from 2 submitters: Uncertain significance (2). Last evaluated 2025-06-16.

Conditions:
Hereditary cancer-predisposing syndrome. Also called: Neoplastic Syndromes, Hereditary; Tumor predisposition; Hereditary neoplastic syndrome; Hereditary Cancer Syndrome. Identifiers: Orphanet 140162, MedGen C0027672, MeSH D009386, MONDO:0015356.
Neuroblastoma, susceptibility to, 3. Also called: ALK-Related Neuroblastic Tumor Susceptibility. Identifiers: Orphanet 635, MedGen C2751681, MONDO:0013083, OMIM 613014.

gnomAD v4.1: 2 of 1,613,440 alleles (0.00012%); highest among the groups gnomAD compares: Admixed American, 0.0017%; no homozygotes.

Submissions (2):

Ambry Genetics
Classification: Uncertain significance for Hereditary cancer-predisposing syndrome. Last evaluated: 2025-06-16. Review status: criteria provided, single submitter. Criteria: Ambry Variant Classification Scheme 2023. Collection method: clinical testing. Allele origin: germline.
Comment: The p.G1121V variant (also known as c.3362G>T), located in coding exon 21 of the ALK gene, results from a G to T substitution at nucleotide position 3362. The glycine at codon 1121 is replaced by valine, an amino acid with dissimilar properties. This amino acid position is highly conserved in available vertebrate species. In addition, this alteration is predicted to be deleterious by in silico analysis. Based on the available evidence, the clinical significance of this variant remains unclear.

Labcorp Genetics (formerly Invitae), Labcorp
Classification: Uncertain significance for Neuroblastoma, susceptibility to, 3. Last evaluated: 2022-10-21. Review status: criteria provided, single submitter. Criteria: Invitae Variant Classification Sherloc (09022015). Collection method: clinical testing. Allele origin: germline.
Comment: This sequence change replaces glycine, which is neutral and non-polar, with valine, which is neutral and non-polar, at codon 1121 of the ALK protein (p.Gly1121Val). This variant is present in population databases (no rsID available, gnomAD 0.1%). This variant has not been reported in the literature in individuals affected with ALK-related conditions. Algorithms developed to predict the effect of missense changes on protein structure and function (SIFT, PolyPhen-2, Align-GVGD) all suggest that this variant is likely to be disruptive. In summary, the available evidence is currently insufficient to determine the role of this variant in disease. Therefore, it has been classified as a Variant of Uncertain Significance.

NM_004304.5(ALK):c.3362G>T (p.Gly1121Val)

Gene: ALK (ALK receptor tyrosine kinase; minus strand). Cytogenetic location: 2p23.2.
Variant type: single nucleotide variant.
Coding change: c.3362G>T on transcript NM_004304.5 (MANE Select); coding-DNA position 3362, G replaced by T.
Protein change: p.Gly1121Val; replaces glycine 1121 with valine.
Molecular consequence: missense variant.
Genome position (GRCh38, 1-based): chr2:29,222,605, C>A on the plus strand (G>T on the coding strand, the complement: ALK is on the minus strand). VCF-style: chr2-29222605-C-A. GRCh37 (hg19) VCF-style: chr2-29445471-C-A.
Other names: c.3362G>T (NM_004304.4); c.158G>T, p.Gly53Val (NM_001353765.2); short protein forms G53V, G1121V.
Identifiers: ClinVar variation 2197783 (VCV002197783.5), dbSNP rs55760835, ClinGen allele CA346464371.